The following is an entry in ClinVar:

NM_000552.5(VWF):c.2878C>T (p.Arg960Trp)

Gene: VWF (von Willebrand factor; minus strand). Cytogenetic location: 12p13.31.
Variant type: single nucleotide variant.
Coding change: c.2878C>T on transcript NM_000552.5 (MANE Select); coding-DNA position 2878, C replaced by T.
Protein change: p.Arg960Trp; replaces arginine 960 with tryptophan.
Molecular consequence: missense variant.
Genome position (GRCh38, 1-based): chr12:6,029,431, G>A on the plus strand (C>T on the coding strand, the complement: VWF is on the minus strand). VCF-style: chr12-6029431-G-A. GRCh37 (hg19) VCF-style: chr12-6138597-G-A.
Other names: p.R960W; p.Arg960Trp; short protein forms R960W.
Identifiers: ClinVar variation 1033091 (VCV001033091.7), dbSNP rs370984712, ClinGen allele CA6402916.

ClinVar aggregate classification (germline): Uncertain significance. Review status: criteria provided, multiple submitters, no conflicts (2 of 4 stars). 5 submissions from 5 submitters: Uncertain significance (5). Last evaluated 2025-07-24.

Conditions:
von Willebrand disease type 1 (VWD1). Also called: VON WILLEBRAND DISEASE, TYPE I; VWD, TYPE 1. Identifiers: Orphanet 166078, Orphanet 903, MedGen C1264039, MONDO:0008668, OMIM 193400. Inheritance: autosomal recessive or autosomal dominant.

Allele frequency attached by ClinVar (database versions not stated): TOPMed 0.00003; gnomAD 0.00004 and 0.00006; ESP Exome Variant Server 0.00008; ExAC 0.00014; gnomAD exomes 0.00014; 1000 Genomes Project 0.00060; 1000 Genomes Project 30x 0.00062.
gnomAD v4.1: 209 of 1,614,054 alleles (0.013%); highest among the groups gnomAD compares: South Asian, 0.048%; no homozygotes.

Submissions (5):

Mayo Clinic Laboratories, Mayo Clinic
Classification: Uncertain significance. Last evaluated: 2025-07-24. Review status: criteria provided, single submitter. Criteria: ACMG Guidelines, 2015. Collection method: clinical testing. Allele origin: germline. Observed: 1 variant allele.
Comment: PS4_moderate

Genetics and Molecular Pathology, SA Pathology
Classification: Uncertain significance for von Willebrand disease type 1. Last evaluated: 2021-04-28. Review status: criteria provided, single submitter. Criteria: ACMG Guidelines, 2015. Collection method: clinical testing. Allele origin: germline. Inheritance: Autosomal dominant inheritance.

Laboratory of Hematology, Radboud University Medical Center
Classification: Uncertain significance for von Willebrand disease type 1. Last evaluated: 2020-12-10. Review status: criteria provided, single submitter. Criteria: ACMG Guidelines, 2015. Collection method: research. Allele origin: germline. Affected: yes. Observed: 1 variant allele. Study: WIN study.

Baylor Genetics
Classification: Uncertain significance for von Willebrand disease type 1. Last evaluated: 2018-06-11. Review status: criteria provided, single submitter. Criteria: ACMG Guidelines, 2015. Collection method: clinical testing. Allele origin: maternal. Affected: yes.
Comment: This variant was determined to be of uncertain significance according to ACMG Guidelines, 2015 [PMID:25741868].

ISTH-SSC Genomics in Thrombosis and Hemostasis, KU Leuven, Center for Molecular and Vascular Biology
Classification: Uncertain significance for von Willebrand disease type 1. Review status: criteria provided, single submitter. Criteria: ACMG Guidelines, 2015. Collection method: clinical testing. Allele origin: germline. Affected: yes. Observed: 1 heterozygote.
Comment: Submitted to GoldVariant by Kathleen Freson, Center for Molecular and Vascular Biology, Leuven, Belgium

Literature cited by the submitters: PubMed 28971901 (cited by Mayo Clinic Laboratories, Mayo Clinic); PubMed 29924855 (cited by Mayo Clinic Laboratories, Mayo Clinic); PubMed 34426522 (cited by Mayo Clinic Laboratories, Mayo Clinic); PubMed 35505650 (cited by Mayo Clinic Laboratories, Mayo Clinic).